The following is an entry in ClinVar:

NM_000520.6(HEXA):c.672G>T (p.Lys224Asn)

Gene: HEXA (hexosaminidase subunit alpha; minus strand). Cytogenetic location: 15q23.
Variant type: single nucleotide variant.
Coding change: c.672G>T on transcript NM_000520.6 (MANE Select); coding-DNA position 672, G replaced by T.
Protein change: p.Lys224Asn; replaces lysine 224 with asparagine.
Molecular consequence: missense variant. On other transcripts: non-coding transcript variant (1).
Genome position (GRCh38, 1-based): chr15:72,351,133, C>A on the plus strand (G>T on the coding strand, the complement: HEXA is on the minus strand). VCF-style: chr15-72351133-C-A. GRCh37 (hg19) VCF-style: chr15-72643474-C-A.
Other names: c.705G>T, p.Lys235Asn (NM_001318825.2); short protein forms K235N, K224N.
Identifiers: ClinVar variation 654741 (VCV000654741.8), dbSNP rs780134593, ClinGen allele CA393063420.

ClinVar aggregate classification (germline): Likely pathogenic (1 of 4 stars; one submission).

Conditions:
Tay-Sachs disease (TSD). Also called: HEXA DEFICIENCY; Hexosaminidase A Deficiency; HEXA Disorders; GM2 gangliosidosis, type 1; Hexosaminidase alpha-subunit deficiency (variant B); Sphingolipidosis, Tay-Sachs. Identifiers: Orphanet 845, MedGen C0039373, MONDO:0010100, OMIM 272800.

gnomAD v4.1: 3 of 1,589,668 alleles (0.00019%); highest among the groups gnomAD compares: Non-Finnish European, 0.00026%; no homozygotes.

Submission:

Labcorp Genetics (formerly Invitae), Labcorp
Classification: Likely pathogenic for Tay-Sachs disease. Last evaluated: 2019-02-14. Review status: criteria provided, single submitter. Criteria: Invitae Variant Classification Sherloc (09022015). Collection method: clinical testing. Allele origin: germline.
Comment: In summary, the currently available evidence indicates that the variant is pathogenic, but additional data are needed to prove that conclusively. Therefore, this variant has been classified as Likely Pathogenic. Nucleotide substitutions within the consensus splice site are a relatively common cause of aberrant splicing (PMID: 17576681, 9536098). Algorithms developed to predict the effect of sequence changes on RNA splicing suggest that this variant may disrupt the consensus splice site, but this prediction has not been confirmed by published transcriptional studies. Algorithms developed to predict the effect of missense changes on protein structure and function are either unavailable or do not agree on the potential impact of this missense change (SIFT: "Tolerated"; PolyPhen-2: "Probably Damaging"; Align-GVGD: "Class C0"). This variant has been observed in individual(s) with laboratory enzymatic findings that are highly specific for Tay-Sachs disease (Invitae). In at least one individual the data is consistent with the variant being in trans (on the opposite chromosome) from a pathogenic variant. This variant is not present in population databases (ExAC no frequency). This sequence change replaces lysine with asparagine at codon 224 of the HEXA protein (p.Lys224Asn). The lysine residue is moderately conserved and there is a moderate physicochemical difference between lysine and asparagine. This variant also falls at the last nucleotide of exon 6 of the HEXA coding sequence, which is part of the consensus splice site for this exon.

Literature cited by the submitters: PubMed 17576681; PubMed 9536098.